The following is an entry in ClinVar:

NM_000222.3(KIT):c.619+4C>A

Gene: KIT (KIT proto-oncogene, receptor tyrosine kinase; plus strand). Cytogenetic location: 4q12.
Variant type: single nucleotide variant.
Coding change: c.619+4C>A on transcript NM_000222.3 (MANE Select); 4 bases into the intron after coding-DNA position 619, C replaced by A.
Molecular consequence: intron variant.
Genome position (GRCh38, 1-based): chr4:54,698,569, C>A. VCF-style: chr4-54698569-C-A. GRCh37 (hg19) VCF-style: chr4-55564735-C-A.
Other names: c.619+4C>A (NM_001385284.1, NM_001385290.1, NM_001385288.1 and 4 more transcripts).
Identifiers: ClinVar variation 999737 (VCV000999737.16), dbSNP rs1720240123, ClinGen allele CA1458717710.

ClinVar aggregate classification (germline): Uncertain significance (1 of 4 stars; one submission).

Conditions:
Gastrointestinal stromal tumor. Also called: Gastrointestinal stromal tumor, somatic; Gastrointestinal stroma tumor. Identifiers: Orphanet 44890, MedGen C0238198, MeSH D046152, MONDO:0011719, OMIM 606764, HP:0100723.

Submission:

Labcorp Genetics (formerly Invitae), Labcorp
Classification: Uncertain significance for Gastrointestinal stromal tumor. Last evaluated: 2026-01-11. Review status: criteria provided, single submitter. Criteria: Invitae Variant Classification Sherloc (09022015). Collection method: clinical testing. Allele origin: germline.
Comment: This sequence change falls in intron 3 of the KIT gene. It does not directly change the encoded amino acid sequence of the KIT protein. It affects a nucleotide within the consensus splice site. This variant is not present in population databases (gnomAD no frequency). This variant has not been reported in the literature in individuals affected with KIT-related conditions. ClinVar contains an entry for this variant (Variation ID: 999737). Variants that disrupt the consensus splice site are a relatively common cause of aberrant splicing (PMID: 17576681, 9536098). Algorithms developed to predict the effect of sequence changes on RNA splicing suggest that this variant is not likely to affect RNA splicing. In summary, the available evidence is currently insufficient to determine the role of this variant in disease. Therefore, it has been classified as a Variant of Uncertain Significance.

Literature cited by the submitters: PubMed 17576681; PubMed 9536098.